The following is an entry in ClinVar:

NM_015450.3(POT1):c.1406A>G (p.Lys469Arg)

Gene: POT1 (protection of telomeres 1; minus strand). Cytogenetic location: 7q31.33.
Variant type: single nucleotide variant.
Coding change: c.1406A>G on transcript NM_015450.3 (MANE Select); coding-DNA position 1406, A replaced by G.
Protein change: p.Lys469Arg; replaces lysine 469 with arginine.
Molecular consequence: missense variant. On other transcripts: non-coding transcript variant (3).
Genome position (GRCh38, 1-based): chr7:124,835,378, T>C on the plus strand (A>G on the coding strand, the complement: POT1 is on the minus strand). VCF-style: chr7-124835378-T-C. GRCh37 (hg19) VCF-style: chr7-124475432-T-C.
Other names: c.1013A>G, p.Lys338Arg (NM_001042594.2); short protein forms K338R, K469R.
Identifiers: ClinVar variation 3226656 (VCV003226656.1), dbSNP rs2485374731, ClinGen allele CA369065875.

ClinVar aggregate classification (germline): Uncertain significance (1 of 4 stars; one submission).

Conditions:
Hereditary cancer-predisposing syndrome. Also called: Neoplastic Syndromes, Hereditary; Tumor predisposition; Hereditary neoplastic syndrome; Hereditary Cancer Syndrome. Identifiers: Orphanet 140162, MedGen C0027672, MeSH D009386, MONDO:0015356.

Submission:

Ambry Genetics
Classification: Uncertain significance for Hereditary cancer-predisposing syndrome. Last evaluated: 2023-10-20. Review status: criteria provided, single submitter. Criteria: Ambry Variant Classification Scheme 2023. Collection method: clinical testing. Allele origin: germline.
Comment: The p.K469R variant (also known as c.1406A>G), located in coding exon 11 of the POT1 gene, results from an A to G substitution at nucleotide position 1406. The lysine at codon 469 is replaced by arginine, an amino acid with highly similar properties. This amino acid position is conserved. In addition, this alteration is predicted to be tolerated by in silico analysis. Since supporting evidence is limited at this time, the clinical significance of this alteration remains unclear.